The following is an entry in ClinVar:

ClinVar aggregate classification (germline): Uncertain significance. Review status: criteria provided, multiple submitters, no conflicts (2 of 4 stars). 2 submissions from 2 submitters: Uncertain significance (2). Last evaluated 2025-07-24.

Conditions:
Charcot-Marie-Tooth disease type 2. Also called: Charcot-Marie-Tooth type 2. Identifiers: Orphanet 64746, MedGen C0270914, MONDO:0018993.

Allele frequency attached by ClinVar (database versions not stated): TOPMed below 0.00001; ExAC 0.00001; gnomAD exomes below 0.00001.
gnomAD v4.1: 4 of 1,614,052 alleles (0.00025%); highest among the groups gnomAD compares: African/African-American, 0.0013%; no homozygotes.

Submissions (2):

Ambry Genetics
Classification: Uncertain significance. Last evaluated: 2025-07-24. Review status: criteria provided, single submitter. Criteria: Ambry Variant Classification Scheme 2023. Collection method: clinical testing. Allele origin: germline.
Comment: The p.T1106M variant (also known as c.3317C>T), located in coding exon 29 of the KIF1B gene, results from a C to T substitution at nucleotide position 3317. The threonine at codon 1106 is replaced by methionine, an amino acid with similar properties. This amino acid position is highly conserved in available vertebrate species. In addition, this alteration is predicted to be deleterious by in silico analysis. The evidence for this gene-disease relationship is limited; therefore, the clinical significance of this alteration is unclear.

Labcorp Genetics (formerly Invitae), Labcorp
Classification: Uncertain significance for Charcot-Marie-Tooth disease type 2. Last evaluated: 2025-03-31. Review status: criteria provided, single submitter. Criteria: Invitae Variant Classification Sherloc (09022015). Collection method: clinical testing. Allele origin: germline.
Comment: This sequence change replaces threonine, which is neutral and polar, with methionine, which is neutral and non-polar, at codon 1106 of the KIF1B protein (p.Thr1106Met). This variant is present in population databases (rs775773486, gnomAD 0.0009%). This variant has not been reported in the literature in individuals affected with KIF1B-related conditions. ClinVar contains an entry for this variant (Variation ID: 1003437). An algorithm developed to predict the effect of missense changes on protein structure and function (PolyPhen-2) suggests that this variant is likely to be disruptive. In summary, the available evidence is currently insufficient to determine the role of this variant in disease. Therefore, it has been classified as a Variant of Uncertain Significance.

NM_001365951.3(KIF1B):c.3455C>T (p.Thr1152Met)

Gene: KIF1B (kinesin family member 1B; plus strand). Cytogenetic location: 1p36.22.
Variant type: single nucleotide variant.
Coding change: c.3455C>T on transcript NM_001365951.3 (MANE Select); coding-DNA position 3455, C replaced by T.
Protein change: p.Thr1152Met; replaces threonine 1152 with methionine.
Molecular consequence: missense variant.
Genome position (GRCh38, 1-based): chr1:10,339,801, C>T. VCF-style: chr1-10339801-C-T. GRCh37 (hg19) VCF-style: chr1-10399859-C-T.
Other names: c.3455C>T, p.Thr1152Met (NM_001365952.1); c.3317C>T, p.Thr1106Met (NM_015074.3); short protein forms T1106M, T1152M.
Identifiers: ClinVar variation 1003437 (VCV001003437.12), dbSNP rs775773486, ClinGen allele CA581785.